The following is an entry in ClinVar:

NM_004780.3(TCEAL1):c.276A>G (p.Val92=)

Gene: TCEAL1 (transcription elongation factor A like 1; plus strand). Cytogenetic location: Xq22.2.
Variant type: single nucleotide variant.
Coding change: c.276A>G on transcript NM_004780.3 (MANE Select); coding-DNA position 276, A replaced by G.
Protein change: p.Val92=; no amino-acid change (valine 92 retained).
Molecular consequence: synonymous variant.
Genome position (GRCh38, 1-based): chrX:103,630,192, A>G. VCF-style: chrX-103630192-A-G. GRCh37 (hg19) VCF-style: chrX-102885120-A-G.
Other names: c.276A>G, p.Val92= (NM_001006639.2, NM_001006640.2).
Identifiers: ClinVar variation 2661101 (VCV002661101.24), dbSNP rs767267315, ClinGen allele CA333989215.

ClinVar aggregate classification (germline): Likely benign (1 of 4 stars; one submission).

Allele frequency attached by ClinVar (database versions not stated): gnomAD 0.00001; gnomAD exomes 0.00003.
gnomAD v4.1: 29 of 1,210,267 alleles (0.0024%); highest among the groups gnomAD compares: Non-Finnish European, 0.0032%; no homozygotes.

Submission:

CeGaT Center for Human Genetics Tuebingen
Classification: Likely benign. Last evaluated: 2022-03-01. Review status: criteria provided, single submitter. Criteria: CeGaT Center For Human Genetics Tuebingen Variant Classification Criteria Version 2. Collection method: clinical testing. Allele origin: germline. Affected: yes. Observed: 1 variant allele.
Comment: TCEAL1: BP4, BP7